The following is an entry in ClinVar:

NM_005629.4(SLC6A8):c.144C>T (p.Ala48=)

Gene: SLC6A8 (solute carrier family 6 member 8; plus strand). Cytogenetic location: Xq28.
Variant type: single nucleotide variant.
Coding change: c.144C>T on transcript NM_005629.4 (MANE Select); coding-DNA position 144, C replaced by T.
Protein change: p.Ala48=; no amino-acid change (alanine 48 retained).
Molecular consequence: synonymous variant.
Genome position (GRCh38, 1-based): chrX:153,688,718, C>T. VCF-style: chrX-153688718-C-T. GRCh37 (hg19) VCF-style: chrX-152954173-C-T.
Other names: c.144C>T, p.Ala48= (NM_001142805.2).
Identifiers: ClinVar variation 1092321 (VCV001092321.12), dbSNP rs782232933, ClinGen allele CA10549157.

ClinVar aggregate classification (germline): Likely benign. Review status: criteria provided, multiple submitters, no conflicts (2 of 4 stars). 4 submissions from 4 submitters: Likely benign (3). 1 of the submissions does not count toward it. Last evaluated 2025-03-19.

Conditions:
SLC6A8-related disorder. Also called: SLC6A8-related condition.
Creatine transporter deficiency (CCDS1). Also called: CREATINE TRANSPORTER DEFECT; CEREBRAL CREATINE DEFICIENCY SYNDROME 1; Creatine Transporter (CRTR) Deficiency; Mental retardation , X-linked with seizures, short stature and midface hypoplasia; Mental retardation , X-linked, with creatine transport deficiency; X-linked creatine transporter deficiency. Identifiers: Orphanet 52503, MedGen C1845862, MONDO:0010305, OMIM 300352.

Allele frequency attached by ClinVar (database versions not stated): TOPMed 0.00001; gnomAD exomes 0.00002 and 0.00014; ExAC 0.00006.
gnomAD v4.1: 137 of 1,131,741 alleles (0.012%); highest among the groups gnomAD compares: Non-Finnish European, 0.016%; no homozygotes.

Submissions (4):

Labcorp Genetics (formerly Invitae), Labcorp
Classification: Likely benign for Creatine transporter deficiency. Last evaluated: 2025-03-19. Review status: criteria provided, single submitter. Criteria: Invitae Variant Classification Sherloc (09022015). Collection method: clinical testing. Allele origin: germline.

Women's Health and Genetics/Laboratory Corporation of America, LabCorp
Classification: Likely benign. Last evaluated: 2022-06-07. Review status: criteria provided, single submitter. Criteria: LabCorp Variant Classification Summary - May 2015. Collection method: clinical testing. Allele origin: germline.
Comment: Variant summary: SLC6A8 c.144C>T alters a non-conserved nucleotide resulting in a synonymous change. 4/4 computational tools predict no significant impact on normal splicing. However, these predictions have yet to be confirmed by functional studies. The variant allele was found at a frequency of 1.5e-05 in 129950 control chromosomes. The available data on variant occurrences in the general population are insufficient to allow any conclusion about variant significance. To our knowledge, no occurrence of c.144C>T in individuals affected with Creatine Deficiency, X-Linked and no experimental evidence demonstrating its impact on protein function have been reported. One clinical diagnostic laboratory has submitted clinical-significance assessments for this variant to ClinVar after 2014 without evidence for independent evaluation. One laboratory classified the variant as likely benign. Based on the evidence outlined above, the variant was classified as likely benign.

Blueprint Genetics
Classification: Likely benign. Last evaluated: 2020-12-10. Review status: criteria provided, single submitter. Criteria: ACMG Guidelines, 2015. Collection method: clinical testing. Allele origin: germline.

PreventionGenetics, part of Exact Sciences
Classification: Likely benign for SLC6A8-related condition. Last evaluated: 2019-05-21. Review status: no assertion criteria provided. Collection method: clinical testing. Allele origin: germline. Not counted in ClinVar's aggregate classification.
Comment: This variant is classified as likely benign based on ACMG/AMP sequence variant interpretation guidelines (Richards et al. 2015 PMID: 25741868, with internal and published modifications).